The following is an entry in ClinVar:

NM_002691.4(POLD1):c.1928G>C (p.Gly643Ala)

Gene: POLD1 (DNA polymerase delta 1, catalytic subunit; plus strand). Cytogenetic location: 19q13.33.
Variant type: single nucleotide variant.
Coding change: c.1928G>C on transcript NM_002691.4 (MANE Select); coding-DNA position 1928, G replaced by C.
Protein change: p.Gly643Ala; replaces glycine 643 with alanine.
Molecular consequence: missense variant. On other transcripts: non-coding transcript variant (1).
Genome position (GRCh38, 1-based): chr19:50,409,157, G>C. VCF-style: chr19-50409157-G-C. GRCh37 (hg19) VCF-style: chr19-50912414-G-C.
Other names: c.1928G>C, p.Gly643Ala (NM_001256849.1); c.2006G>C, p.Gly669Ala (NM_001308632.1); short protein forms G643A, G669A.
Identifiers: ClinVar variation 1496800 (VCV001496800.8), dbSNP rs2039004596, ClinGen allele CA406982258.
Genomic context (GRCh38, chr19:50,409,157, plus strand): 5'-GTCACCCCAACATCTTCCAACCCAGCCTGACTGAGGATCAGTTCATCAGGACCCCCACCG[G>C]GGACGAGTTTGTGAAGACCTCAGTGCGGAAGGGGCTGCTGCCCCAGATCCTGGAGAACCT-3'
Protein context (NP_002682.2, residues 633-653): TEDQFIRTPT[Gly643Ala]DEFVKTSVRK

ClinVar aggregate classification (germline): Uncertain significance (1 of 4 stars; one submission).

Conditions:
POLD1-related polyposis and colorectal cancer syndrome (CRCS10). Also called: Colorectal cancer 10; COLORECTAL CANCER, SUSCEPTIBILITY TO, ON CHROMOSOME 19q; Colorectal cancer, susceptibility to, 10. Identifiers: Orphanet 220460, MedGen C2675481, MONDO:0012953, OMIM 612591.

Submission:

Labcorp Genetics (formerly Invitae), Labcorp
Classification: Uncertain significance for POLD1-related polyposis and colorectal cancer syndrome. Last evaluated: 2022-08-31. Review status: criteria provided, single submitter. Criteria: Invitae Variant Classification Sherloc (09022015). Collection method: clinical testing. Allele origin: germline.
Comment: In summary, the available evidence is currently insufficient to determine the role of this variant in disease. Therefore, it has been classified as a Variant of Uncertain Significance. Algorithms developed to predict the effect of missense changes on protein structure and function are either unavailable or do not agree on the potential impact of this missense change (SIFT: "Tolerated"; PolyPhen-2: "Possibly Damaging"; Align-GVGD: "Class C0"). ClinVar contains an entry for this variant (Variation ID: 1496800). This variant has not been reported in the literature in individuals affected with POLD1-related conditions. This variant is not present in population databases (gnomAD no frequency). This sequence change replaces glycine, which is neutral and non-polar, with alanine, which is neutral and non-polar, at codon 643 of the POLD1 protein (p.Gly643Ala).